The following is an entry in ClinVar:

NC_000009.12:g.35658031_35658032insTCTCAGCTT

Gene: RMRP (RNA component of mitochondrial RNA processing endoribonuclease; minus strand). Cytogenetic location: 9p13.3.
Variant type: Insertion.
Genome position: GRCh38 VCF-style: chr9-35658023-C-CCTCAGCTTT. GRCh37 (hg19) VCF-style: chr9-35658020-C-CCTCAGCTTT.
Identifiers: ClinVar variation 2130401 (VCV002130401.4), dbSNP rs1823638217, ClinGen allele CA1846127690.
Genomic context (GRCh38, chr9:35,658,023, plus strand): 5'-GGGGAGGAACAGAGTCCTCAGTGTGTAGCCTAGGATACAGGCCTTCAGCACGAACCACGT[C>CCTCAGCTTT]CTCAGCTTCACAGAGTAGTATTTTATAGCCCTAAAGAAATTGTGTTTTATGATTAGGGTG-3'

ClinVar aggregate classification (germline): Pathogenic (1 of 4 stars; one submission).

Conditions:
Anauxetic dysplasia. Identifiers: Orphanet 93347, MedGen C1846796, MONDO:0011773.

Submission:

Labcorp Genetics (formerly Invitae), Labcorp
Classification: Pathogenic for Anauxetic dysplasia. Last evaluated: 2022-05-04. Review status: criteria provided, single submitter. Criteria: Invitae Variant Classification Sherloc (09022015). Collection method: clinical testing. Allele origin: germline.
Comment: For these reasons, this variant has been classified as Pathogenic. This variant occurs in the RMRP gene, which encodes an RNA molecule that does not result in a protein product. This variant is not present in population databases (gnomAD no frequency). While this particular variant has not been reported in the literature, it is located in the promoter region between the TATA box and the transcription initiation site, and other insertions and duplications immediately upstream of the coding sequence have been reported in individuals affected with cartilage-hair hypoplasia-anauxetic dysplasia (CHH-AD) spectrum disorders (PMID: 16244706, 11207361, 12107819). While functional studies for this variant have not been reported, experimental analyses using patient derived cells, as well as in vitro transfection studies, have shown that promoter insertions result in silencing of RMRP transcription and reduced expression of the gene product (PMID: 11207361, 16254002).

Literature cited by the submitters: PubMed 16244706; PubMed 11207361; PubMed 12107819; PubMed 16254002.